The following is an entry in ClinVar:

NM_212482.4(FN1):c.3411C>G (p.Ser1137Arg)

Gene: FN1 (fibronectin 1; minus strand). Cytogenetic location: 2q35.
Variant type: single nucleotide variant.
Coding change: c.3411C>G on transcript NM_212482.4 (MANE Select); coding-DNA position 3411, C replaced by G.
Protein change: p.Ser1137Arg; replaces serine 1137 with arginine.
Molecular consequence: missense variant.
Genome position (GRCh38, 1-based): chr2:215,397,786, G>C on the plus strand (C>G on the coding strand, the complement: FN1 is on the minus strand). VCF-style: chr2-215397786-G-C. GRCh37 (hg19) VCF-style: chr2-216262509-G-C.
Other names: c.3411C>G, p.Ser1137Arg (NM_001306129.2, NM_001306130.2, NM_001306131.2 and 13 more transcripts); short protein forms S1137R.
Identifiers: ClinVar variation 2866719 (VCV002866719.2), dbSNP rs755039285, ClinGen allele CA2094712.

ClinVar aggregate classification (germline): Uncertain significance (1 of 4 stars; one submission).

Allele frequency attached by ClinVar (database versions not stated): ExAC 0.00001; gnomAD 0.00001; gnomAD exomes 0.00001; TOPMed 0.00003.
gnomAD v4.1: 4 of 1,613,986 alleles (0.00025%); highest among the groups gnomAD compares: Admixed American, 0.0067%; no homozygotes.

Submission:

Labcorp Genetics (formerly Invitae), Labcorp
Classification: Uncertain significance. Last evaluated: 2023-11-03. Review status: criteria provided, single submitter. Criteria: Invitae Variant Classification Sherloc (09022015). Collection method: clinical testing. Allele origin: germline.
Comment: This sequence change replaces serine, which is neutral and polar, with arginine, which is basic and polar, at codon 1137 of the FN1 protein (p.Ser1137Arg). This variant is present in population databases (rs755039285, gnomAD 0.009%). This variant has not been reported in the literature in individuals affected with FN1-related conditions. Advanced modeling of protein sequence and biophysical properties (such as structural, functional, and spatial information, amino acid conservation, physicochemical variation, residue mobility, and thermodynamic stability) performed at Invitae indicates that this missense variant is not expected to disrupt FN1 protein function with a negative predictive value of 80%. In summary, the available evidence is currently insufficient to determine the role of this variant in disease. Therefore, it has been classified as a Variant of Uncertain Significance.